The following is an entry in ClinVar:

NM_133642.5(LARGE1):c.583C>T (p.Arg195Cys)

Gene: LARGE1 (LARGE xylosyl- and glucuronyltransferase 1; minus strand). Cytogenetic location: 22q12.3.
Variant type: single nucleotide variant.
Coding change: c.583C>T on transcript NM_133642.5 (MANE Select); coding-DNA position 583, C replaced by T.
Protein change: p.Arg195Cys; replaces arginine 195 with cysteine.
Molecular consequence: missense variant.
Genome position (GRCh38, 1-based): chr22:33,604,467, G>A on the plus strand (C>T on the coding strand, the complement: LARGE1 is on the minus strand). VCF-style: chr22-33604467-G-A. GRCh37 (hg19) VCF-style: chr22-34000453-G-A.
Other names: c.583C>T, p.Arg195Cys (NM_001362949.2, NM_001362951.2, NM_001362953.2 and 7 more transcripts); short protein forms R195C.
Identifiers: ClinVar variation 1433112 (VCV001433112.6), dbSNP rs758364338, ClinGen allele CA10203001.

ClinVar aggregate classification (germline): Uncertain significance (1 of 4 stars; one submission).

Conditions:
Muscular dystrophy-dystroglycanopathy type B6 (MDDGB6). Also called: MUSCULAR DYSTROPHY-DYSTROGLYCANOPATHY (CONGENITAL WITH IMPAIRED INTELLECTUAL DEVELOPMENT), TYPE B, 6; MUSCULAR DYSTROPHY, CONGENITAL, LARGE-RELATED; MUSCULAR DYSTROPHY, CONGENITAL, TYPE 1D. Identifiers: MedGen C1837229, MONDO:0012138, OMIM 608840.

Allele frequency attached by ClinVar (database versions not stated): TOPMed below 0.00001; ExAC 0.00001; gnomAD exomes 0.00001.
gnomAD v4.1: 3 of 1,614,094 alleles (0.00019%); highest among the groups gnomAD compares: South Asian, 0.0011%; no homozygotes.

Submission:

Labcorp Genetics (formerly Invitae), Labcorp
Classification: Uncertain significance for Muscular dystrophy-dystroglycanopathy type B6. Last evaluated: 2021-05-31. Review status: criteria provided, single submitter. Criteria: Invitae Variant Classification Sherloc (09022015). Collection method: clinical testing. Allele origin: germline.
Comment: In summary, the available evidence is currently insufficient to determine the role of this variant in disease. Therefore, it has been classified as a Variant of Uncertain Significance. Algorithms developed to predict the effect of missense changes on protein structure and function are either unavailable or do not agree on the potential impact of this missense change (SIFT: "Deleterious"; PolyPhen-2: "Possibly Damaging"; Align-GVGD: "Class C0"). This variant has not been reported in the literature in individuals with LARGE1-related conditions. This variant is present in population databases (rs758364338, ExAC 0.001%). This sequence change replaces arginine with cysteine at codon 195 of the LARGE1 protein (p.Arg195Cys). The arginine residue is moderately conserved and there is a large physicochemical difference between arginine and cysteine.